The following is an entry in ClinVar:

ClinVar aggregate classification (germline): Conflicting classifications of pathogenicity. Review status: criteria provided, conflicting classifications (1 of 4 stars). 2 submissions from 2 submitters: Uncertain significance (1); Likely benign (1). Last evaluated 2025-06-25.

Conditions:
COA8-related disorder. Also called: COA8-related condition.

Allele frequency attached by ClinVar (database versions not stated): gnomAD exomes 0.00006; ExAC 0.00051; ESP Exome Variant Server 0.00051; gnomAD 0.00057; 1000 Genomes Project 0.00060; 1000 Genomes Project 30x 0.00062; TOPMed 0.00062.

Submissions (2):

GeneDx
Classification: Uncertain significance. Last evaluated: 2025-06-25. Review status: criteria provided, single submitter. Criteria: GeneDx Variant Classification Process June 2021. Collection method: clinical testing. Allele origin: germline.
Comment: In silico analysis suggests that this missense variant does not alter protein structure/function; Has not been previously published as pathogenic or benign to our knowledge

PreventionGenetics, part of Exact Sciences
Classification: Likely benign for COA8-related condition. Last evaluated: 2025-05-23. Review status: criteria provided, single submitter. Criteria: ACMG Guidelines, 2015. Collection method: clinical testing. Allele origin: germline.
Comment: This variant is classified as likely benign based on ACMG/AMP sequence variant interpretation guidelines (Richards et al. 2015 PMID: 25741868, with internal and published modifications).

NM_001370595.2(COA8):c.112G>A (p.Ala38Thr)

Gene: COA8 (cytochrome c oxidase assembly factor 8; plus strand). Cytogenetic location: 14q32.33.
Variant type: single nucleotide variant.
Coding change: c.112G>A on transcript NM_001370595.2 (MANE Select); coding-DNA position 112, G replaced by A.
Protein change: p.Ala38Thr; replaces alanine 38 with threonine.
Molecular consequence: missense variant. On other transcripts: non-coding transcript variant (2).
Genome position (GRCh38, 1-based): chr14:103,563,113, G>A. VCF-style: chr14-103563113-G-A. GRCh37 (hg19) VCF-style: chr14-104029450-G-A.
Other names: c.112G>A, p.Ala38Thr (NM_001302653.2, NM_001302654.2); c.151G>A, p.Ala51Thr (NM_032374.4); short protein forms A38T, A51T.
Identifiers: ClinVar variation 1712717 (VCV001712717.4), dbSNP rs187660587, ClinGen allele CA7365420.
Genomic context (GRCh38, chr14:103,563,113, plus strand): 5'-GCCTTCGCCTGCCGCGGCTGTCAACTCGCTCCGGAGCGCGGCGCCGAGCGCAGGGATACG[G>A]CGCCCAGCGGGGTAAGCAGGGGCCTGGGGACATTGGGCCGGGAGGGGTGACCGGAAGGGA-3'
Protein context (NP_001357524.1, residues 28-48): PERGAERRDT[Ala38Thr]PSGVSRFCPP